The following is an entry in ClinVar:

NM_172107.4(KCNQ2):c.2045_2046insT (p.Arg682fs)

Gene: KCNQ2 (potassium voltage-gated channel subfamily Q member 2; minus strand). Cytogenetic location: 20q13.33.
Variant type: Insertion.
Coding change: c.2045_2046insT on transcript NM_172107.4 (MANE Select); coding-DNA positions 2045 to 2046, T inserted.
Protein change: p.Arg682fs; shifts the reading frame from arginine 682.
Molecular consequence: frameshift variant.
Genome position: GRCh38 VCF-style: chr20-63407217-C-CA. GRCh37 (hg19) VCF-style: chr20-62038570-C-CA.
Other names: c.2099_2100insT, p.Arg700fs (NM_001382235.1); c.1961_1962insT, p.Arg654fs (NM_004518.6); c.1991_1992insT, p.Arg664fs (NM_172106.3); c.1952_1953insT, p.Arg651fs (NM_172108.5); short protein forms R654fs, R664fs, R682fs, R700fs, R651fs.
Identifiers: ClinVar variation 2828123 (VCV002828123.3), dbSNP rs2516102833, ClinGen allele CA2739277257.

ClinVar aggregate classification (germline): Pathogenic (1 of 4 stars; one submission).

Conditions:
Early-infantile DEE. Also called: Early infantile epileptic encephalopathy; Early infantile epileptic encephalopathy with suppression bursts; Ohtahara syndrome. Identifiers: Orphanet 1934, MedGen C0393706, MONDO:0800491.

Submission:

Labcorp Genetics (formerly Invitae), Labcorp
Classification: Pathogenic for Early-infantile DEE. Last evaluated: 2023-01-13. Review status: criteria provided, single submitter. Criteria: Invitae Variant Classification Sherloc (09022015). Collection method: clinical testing. Allele origin: germline.
Comment: For these reasons, this variant has been classified as Pathogenic. This variant disrupts a region of the KCNQ2 protein in which other variant(s) (p.Lys829Serfs*35) have been determined to be pathogenic (Invitae). This suggests that this is a clinically significant region of the protein, and that variants that disrupt it are likely to be disease-causing. This variant has not been reported in the literature in individuals affected with KCNQ2-related conditions. This variant is not present in population databases (gnomAD no frequency). This sequence change creates a premature translational stop signal (p.Arg682Serfs*183) in the KCNQ2 gene. While this is not anticipated to result in nonsense mediated decay, it is expected to disrupt the last 191 amino acid(s) of the KCNQ2 protein.